The following is an entry in ClinVar:

NM_199420.4(POLQ):c.2357C>G (p.Thr786Arg)

Gene: POLQ (DNA polymerase theta; minus strand). Cytogenetic location: 3q13.33.
Variant type: single nucleotide variant.
Coding change: c.2357C>G on transcript NM_199420.4 (MANE Select); coding-DNA position 2357, C replaced by G.
Protein change: p.Thr786Arg; replaces threonine 786 with arginine.
Molecular consequence: missense variant.
Genome position (GRCh38, 1-based): chr3:121,493,643, G>C on the plus strand (C>G on the coding strand, the complement: POLQ is on the minus strand). VCF-style: chr3-121493643-G-C. GRCh37 (hg19) VCF-style: chr3-121212490-G-C.
Other names: short protein forms T786R.
Identifiers: ClinVar variation 1790089 (VCV001790089.2), dbSNP rs747918701, ClinGen allele CA2563276.

ClinVar aggregate classification (germline): Uncertain significance (1 of 4 stars; one submission).

Allele frequency attached by ClinVar (database versions not stated): gnomAD 0.00002; ExAC 0.00004.
gnomAD v4.1: 19 of 1,613,924 alleles (0.0012%); highest among the groups gnomAD compares: South Asian, 0.019%; no homozygotes.

Submission:

Ambry Genetics
Classification: Uncertain significance. Last evaluated: 2023-10-12. Review status: criteria provided, single submitter. Criteria: Ambry Variant Classification Scheme 2023. Collection method: clinical testing. Allele origin: germline.
Comment: The p.T786R variant (also known as c.2357C>G), located in coding exon 15 of the POLQ gene, results from a C to G substitution at nucleotide position 2357. The threonine at codon 786 is replaced by arginine, an amino acid with similar properties. This amino acid position is conserved. In addition, this alteration is predicted to be tolerated by in silico analysis. Since supporting evidence is limited at this time, the clinical significance of this alteration remains unclear.